The following is an entry in ClinVar:

ClinVar aggregate classification (germline): Pathogenic/Likely pathogenic. Review status: criteria provided, multiple submitters, no conflicts (2 of 4 stars). 2 submissions from 2 submitters: Pathogenic (1); Likely pathogenic (1). Last evaluated 2025-09-19.

Conditions:
Monogenic hearing loss.
Retinitis pigmentosa 39 (RP39). Identifiers: Orphanet 791, MedGen C3151138, MONDO:0013436, OMIM 613809.
Usher syndrome type 2A. Also called: RETINAL DISEASE IN USHER SYNDROME TYPE IIA, MODIFIER OF; USHER SYNDROME, TYPE IIA. Identifiers: Orphanet 231178, Orphanet 886, MedGen C1848634, MONDO:0010169, OMIM 276901.

Submissions (2):

Genetics Laboratory, Great Ormond Street Hospital NHS Foundation Trust, North Thames Genomic Laboratory Hub
Classification: Pathogenic for Monogenic hearing loss. Last evaluated: 2025-09-19. Review status: criteria provided, single submitter. Criteria: ACGS Best Practice Guidelines for Variant Classification in Rare Disease 2024 v1.2. Collection method: clinical testing. Allele origin: germline. Affected: yes.
Comment: PM2_moderate, PVS1_very-strong

Fulgent Genetics
Classification: Likely pathogenic for Usher syndrome type 2A; Retinitis pigmentosa 39. Last evaluated: 2024-02-14. Review status: criteria provided, single submitter. Criteria: ACMG Guidelines, 2015. Collection method: clinical testing. Allele origin: germline.

NM_206933.4(USH2A):c.1090C>T (p.Gln364Ter)

Gene: USH2A (usherin; minus strand). Cytogenetic location: 1q41.
Variant type: single nucleotide variant.
Coding change: c.1090C>T on transcript NM_206933.4 (MANE Select); coding-DNA position 1090, C replaced by T.
Protein change: p.Gln364Ter; replaces glutamine 364 with a stop codon.
Molecular consequence: nonsense.
Genome position (GRCh38, 1-based): chr1:216,325,358, G>A on the plus strand (C>T on the coding strand, the complement: USH2A is on the minus strand). VCF-style: chr1-216325358-G-A. GRCh37 (hg19) VCF-style: chr1-216498700-G-A.
Other names: c.1090C>T, p.Gln364Ter (NM_007123.6); short protein forms Q364*.
Identifiers: ClinVar variation 3579600 (VCV003579600.2).
Genomic context (GRCh38, chr1:216,325,358, plus strand): 5'-TCATTACCTGATACTGTCCATTTTCCAAATCAACTGAAATAGTCACTCCTTGATTAAGCT[G>A]TGTAATGTTTGTAAACACATTTGAAACCCATGAAGTACCAACATCATTATCATTGACAAA-3'